The following is an entry in ClinVar:

ClinVar aggregate classification (germline): Uncertain significance. Review status: criteria provided, single submitter (1 of 4 stars). 2 submissions from 2 submitters: Uncertain significance (1). 1 of the submissions does not count toward it. Last evaluated 2022-08-23.

Conditions:
Zellweger spectrum disorders (ZS). Also called: Zellweger Spectrum Disorder; Zellweger Spectrum; Zellweger syndrome; Zellweger Spectrum Disorder (ZSD). Identifiers: Orphanet 912, MedGen C0043459, MONDO:0019609.
Peroxisome biogenesis disorder 5A (Zellweger) (PBD5A). Identifiers: Orphanet 912, MedGen C3553940, MONDO:0013932, OMIM 614866.

Allele frequency attached by ClinVar (database versions not stated): gnomAD 0.00001; TOPMed 0.00002; gnomAD exomes 0.00004.
gnomAD v4.1: 64 of 1,613,460 alleles (0.004%); highest among the groups gnomAD compares: Non-Finnish European, 0.0053%; no homozygotes.

Submissions (2):

Labcorp Genetics (formerly Invitae), Labcorp
Classification: Uncertain significance for Peroxisome biogenesis disorder 5A (Zellweger). Last evaluated: 2022-08-23. Review status: criteria provided, single submitter. Criteria: Invitae Variant Classification Sherloc (09022015). Collection method: clinical testing. Allele origin: germline.
Comment: This sequence change replaces asparagine, which is neutral and polar, with aspartic acid, which is acidic and polar, at codon 26 of the PEX2 protein (p.Asn26Asp). This variant is present in population databases (no rsID available, gnomAD 0.007%). This variant has not been reported in the literature in individuals affected with PEX2-related conditions. ClinVar contains an entry for this variant (Variation ID: 841383). Algorithms developed to predict the effect of missense changes on protein structure and function (SIFT, PolyPhen-2, Align-GVGD) all suggest that this variant is likely to be tolerated. In summary, the available evidence is currently insufficient to determine the role of this variant in disease. Therefore, it has been classified as a Variant of Uncertain Significance.

Natera, Inc.
Classification: Uncertain significance for Zellweger syndrome. Last evaluated: 2020-02-13. Review status: no assertion criteria provided. Collection method: clinical testing. Allele origin: germline. Not counted in ClinVar's aggregate classification.

NM_000318.3(PEX2):c.76A>G (p.Asn26Asp)

Gene: PEX2 (peroxisomal biogenesis factor 2; minus strand). Cytogenetic location: 8q21.13.
Variant type: single nucleotide variant.
Coding change: c.76A>G on transcript NM_000318.3 (MANE Select); coding-DNA position 76, A replaced by G.
Protein change: p.Asn26Asp; replaces asparagine 26 with aspartic acid.
Molecular consequence: missense variant.
Genome position (GRCh38, 1-based): chr8:76,984,103, T>C on the plus strand (A>G on the coding strand, the complement: PEX2 is on the minus strand). VCF-style: chr8-76984103-T-C. GRCh37 (hg19) VCF-style: chr8-77896339-T-C.
Other names: c.76A>G, p.Asn26Asp (NM_001079867.2, NM_001172086.2, NM_001172087.2); short protein forms N26D.
Identifiers: ClinVar variation 841383 (VCV000841383.7), dbSNP rs977528373, ClinGen allele CA179988286.